The following is an entry in ClinVar:

ClinVar aggregate classification (germline): Uncertain significance (1 of 4 stars; one submission).

Conditions:
Primary ciliary dyskinesia. Also called: Ciliary dyskinesia. Identifiers: Orphanet 244, MedGen C0008780, MONDO:0016575, HP:0012265.

gnomAD v4.1: 1 of 1,613,700 alleles (0.000062%); highest among the groups gnomAD compares: Admixed American, 0.0017%; no homozygotes.

Submission:

Ambry Genetics
Classification: Uncertain significance for Primary ciliary dyskinesia. Last evaluated: 2025-02-23. Review status: criteria provided, single submitter. Criteria: Ambry Variant Classification Scheme 2023. Collection method: clinical testing. Allele origin: germline.
Comment: The p.L2983F variant (also known as c.8949G>C), located in coding exon 55 of the DNAH11 gene, results from a G to C substitution at nucleotide position 8949. The leucine at codon 2983 is replaced by phenylalanine, an amino acid with highly similar properties. This amino acid position is conserved. In addition, this alteration is predicted to be tolerated by in silico analysis. Based on the available evidence, the clinical significance of this variant remains unclear.

NM_001277115.2(DNAH11):c.8949G>C (p.Leu2983Phe)

Gene: DNAH11 (dynein axonemal heavy chain 11; plus strand). Cytogenetic location: 7p15.3.
Variant type: single nucleotide variant.
Coding change: c.8949G>C on transcript NM_001277115.2 (MANE Select); coding-DNA position 8949, G replaced by C.
Protein change: p.Leu2983Phe; replaces leucine 2983 with phenylalanine.
Molecular consequence: missense variant.
Genome position (GRCh38, 1-based): chr7:21,765,436, G>C. VCF-style: chr7-21765436-G-C. GRCh37 (hg19) VCF-style: chr7-21805054-G-C.
Other names: short protein forms L2983F.
Identifiers: ClinVar variation 3840822 (VCV003840822.1).
Genomic context (GRCh38, chr7:21,765,436, plus strand): 5'-CTCTGCTCATTCATCACCCGCCTGTTTCTGCCTTGCCCCCATGTCTCCACAGATCATTTT[G>C]TGTTTCTCTCCAGTTGGTCGCACGCTGAGAGTTAGAGCTCGGAAGTTCCCAGCCATAGTT-3'
Protein context (NP_001264044.1, residues 2973-2993): ARVRLQLKII[Leu2983Phe]CFSPVGRTLR